The following is an entry in ClinVar:

NM_001290321.3(DMXL1):c.4293G>A (p.Thr1431=)

Gene: DMXL1 (Dmx like 1; plus strand). Cytogenetic location: 5q23.1.
Variant type: single nucleotide variant.
Coding change: c.4293G>A on transcript NM_001290321.3 (MANE Select); coding-DNA position 4293, G replaced by A.
Protein change: p.Thr1431=; no amino-acid change (threonine 1431 retained).
Molecular consequence: synonymous variant. On other transcripts: non-coding transcript variant (3).
Genome position (GRCh38, 1-based): chr5:119,150,120, G>A. VCF-style: chr5-119150120-G-A. GRCh37 (hg19) VCF-style: chr5-118485815-G-A.
Other names: c.4293G>A (NM_001290321.2); c.4293G>A, p.Thr1431= (NM_001349239.2, NM_001349240.2, NM_001387933.1 and 2 more transcripts); c.3588G>A, p.Thr1196= (NM_001387937.1); c.3306G>A, p.Thr1102= (NM_001387938.1).
Identifiers: ClinVar variation 2655653 (VCV002655653.25), dbSNP rs147904610, ClinGen allele CA3380081.

ClinVar aggregate classification (germline): Benign. Review status: criteria provided, single submitter (1 of 4 stars). 2 submissions from 2 submitters: Benign (1). 1 of the submissions does not count toward it. Last evaluated 2022-07-01.

Conditions:
DMXL1-related disorder. Also called: DMXL1-related condition.

Allele frequency attached by ClinVar (database versions not stated): 1000 Genomes Project 0.00040; 1000 Genomes Project 30x 0.00078; ExAC 0.00102; gnomAD 0.00143; TOPMed 0.00147; ESP Exome Variant Server 0.00154.
gnomAD v4.1: 3,143 of 1,613,692 alleles (0.19%); highest among the groups gnomAD compares: Non-Finnish European, 0.23%; 8 homozygotes.

Submissions (2):

CeGaT Center for Human Genetics Tuebingen
Classification: Benign. Last evaluated: 2022-07-01. Review status: criteria provided, single submitter. Criteria: CeGaT Center For Human Genetics Tuebingen Variant Classification Criteria Version 2. Collection method: clinical testing. Allele origin: germline. Affected: yes. Observed: 1 variant allele.
Comment: DMXL1: BS1, BS2

PreventionGenetics, part of Exact Sciences
Classification: Likely benign for DMXL1-related condition. Last evaluated: 2019-03-25. Review status: no assertion criteria provided. Collection method: clinical testing. Allele origin: germline. Not counted in ClinVar's aggregate classification.
Comment: This variant is classified as likely benign based on ACMG/AMP sequence variant interpretation guidelines (Richards et al. 2015 PMID: 25741868, with internal and published modifications).